The following is an entry in ClinVar:

ClinVar aggregate classification (germline): Uncertain significance (1 of 4 stars; one submission).

Allele frequency attached by ClinVar (database versions not stated): gnomAD exomes 0.00001.
gnomAD v4.1: 11 of 1,614,124 alleles (0.00068%); highest among the groups gnomAD compares: Non-Finnish European, 0.00093%; no homozygotes.

Submission:

Ambry Genetics
Classification: Uncertain significance. Last evaluated: 2025-11-08. Review status: criteria provided, single submitter. Criteria: Ambry Variant Classification Scheme 2023. Collection method: clinical testing. Allele origin: germline.
Comment: The p.E385G variant (also known as c.1154A>G), located in coding exon 6 of the GALNT12 gene, results from an A to G substitution at nucleotide position 1154. The glutamic acid at codon 385 is replaced by glycine, an amino acid with similar properties. This amino acid position is highly conserved in available vertebrate species. In addition, this alteration is predicted to be deleterious by in silico analysis. Since supporting evidence is limited at this time, the clinical significance of this alteration remains unclear.

NM_024642.5(GALNT12):c.1154A>G (p.Glu385Gly)

Gene: GALNT12 (polypeptide N-acetylgalactosaminyltransferase 12; plus strand). Cytogenetic location: 9q22.33.
Variant type: single nucleotide variant.
Coding change: c.1154A>G on transcript NM_024642.5 (MANE Select); coding-DNA position 1154, A replaced by G.
Protein change: p.Glu385Gly; replaces glutamic acid 385 with glycine.
Molecular consequence: missense variant.
Genome position (GRCh38, 1-based): chr9:98,837,090, A>G. VCF-style: chr9-98837090-A-G. GRCh37 (hg19) VCF-style: chr9-101599372-A-G.
Other names: short protein forms E385G.
Identifiers: ClinVar variation 1734853 (VCV001734853.4), dbSNP rs1564259174, ClinGen allele CA374219904.